The following is an entry in ClinVar:

ClinVar aggregate classification (germline): Uncertain significance (1 of 4 stars; one submission).

Conditions:
Charcot-Marie-Tooth disease type 4. Also called: Charcot-Marie-Tooth, Type 4; Charcot-Marie-Tooth disease, type IV. Identifiers: Orphanet 64749, MedGen C4082197, MONDO:0018995.

Allele frequency attached by ClinVar (database versions not stated): gnomAD exomes below 0.00001.
gnomAD v4.1: 1 of 1,585,266 alleles (0.000063%); highest among the groups gnomAD compares: East Asian, 0.0022%; no homozygotes.

Submission:

Labcorp Genetics (formerly Invitae), Labcorp
Classification: Uncertain significance for Charcot-Marie-Tooth disease type 4. Last evaluated: 2023-08-04. Review status: criteria provided, single submitter. Criteria: Invitae Variant Classification Sherloc (09022015). Collection method: clinical testing. Allele origin: germline.
Comment: This variant is present in population databases (no rsID available, gnomAD 0.006%). In summary, the available evidence is currently insufficient to determine the role of this variant in disease. Therefore, it has been classified as a Variant of Uncertain Significance. Variants that disrupt the consensus splice site are a relatively common cause of aberrant splicing (PMID: 17576681, 9536098). Algorithms developed to predict the effect of sequence changes on RNA splicing suggest that this variant is not likely to affect RNA splicing. ClinVar contains an entry for this variant (Variation ID: 1424746). This variant has not been reported in the literature in individuals affected with SBF2-related conditions. This sequence change falls in intron 11 of the SBF2 gene. It does not directly change the encoded amino acid sequence of the SBF2 protein. It affects a nucleotide within the consensus splice site.

Literature cited by the submitters: PubMed 17576681; PubMed 9536098.

NM_030962.4(SBF2):c.1167+4A>G

Gene: SBF2 (SET binding factor 2; minus strand). Cytogenetic location: 11p15.4.
Variant type: single nucleotide variant.
Coding change: c.1167+4A>G on transcript NM_030962.4 (MANE Select); 4 bases into the intron after coding-DNA position 1167, A replaced by G.
Molecular consequence: intron variant.
Genome position (GRCh38, 1-based): chr11:9,992,986, T>C on the plus strand (A>G on the coding strand, the complement: SBF2 is on the minus strand). VCF-style: chr11-9992986-T-C. GRCh37 (hg19) VCF-style: chr11-10014533-T-C.
Other names: c.1167+4A>G (NM_001386342.1, NM_001386339.1).
Identifiers: ClinVar variation 1424746 (VCV001424746.4), dbSNP rs1240919799, ClinGen allele CA597560983.
Genomic context (GRCh38, chr11:9,992,986, plus strand): 5'-CCAAGTAGTTTTATTAAATTAGAATATATTTTTTGGACAGATACAATATAGTACTCTATC[T>C]TACCTTGTGGAAATGTATTACTGGCTCTGCATGAATTCTTATAAGTTGCAGGCAGGATCT-3'